The following is an entry in ClinVar:

ClinVar aggregate classification (germline): Benign/Likely benign. Review status: criteria provided, multiple submitters, no conflicts (2 of 4 stars). 3 submissions from 3 submitters: Benign (1); Likely benign (1). 1 of the submissions does not count toward it. Last evaluated 2026-08-01.

Conditions:
GRIA1-related disorder. Also called: GRIA1-related condition.

Allele frequency attached by ClinVar (database versions not stated): gnomAD 0.00265; TOPMed 0.00332; ESP Exome Variant Server 0.00354; 1000 Genomes Project 0.00379; 1000 Genomes Project 30x 0.00390.
gnomAD v4.1: 974 of 1,613,778 alleles (0.06%); highest among the groups gnomAD compares: African/African-American, 1.2%; 7 homozygotes.

Submissions (3):

CeGaT Center for Human Genetics Tuebingen
Classification: Likely benign. Last evaluated: 2026-08-01. Review status: criteria provided, single submitter. Criteria: CeGaT Center For Human Genetics Tuebingen Variant Classification Criteria Version 2. Collection method: clinical testing. Allele origin: germline. Affected: yes. Observed: 2 variant alleles.
Comment: GRIA1: BS1

Labcorp Genetics (formerly Invitae), Labcorp
Classification: Benign. Last evaluated: 2019-12-31. Review status: criteria provided, single submitter. Criteria: Invitae Variant Classification Sherloc (09022015). Collection method: clinical testing. Allele origin: germline.

PreventionGenetics, part of Exact Sciences
Classification: Benign for GRIA1-related condition. Last evaluated: 2019-10-28. Review status: no assertion criteria provided. Collection method: clinical testing. Allele origin: germline. Not counted in ClinVar's aggregate classification.
Comment: This variant is classified as benign based on ACMG/AMP sequence variant interpretation guidelines (Richards et al. 2015 PMID: 25741868, with internal and published modifications).

NM_000827.4(GRIA1):c.623G>C (p.Arg208Pro)

Gene: GRIA1 (glutamate ionotropic receptor AMPA type subunit 1; plus strand). Cytogenetic location: 5q33.2.
Variant type: single nucleotide variant.
Coding change: c.623G>C on transcript NM_000827.4 (MANE Select); coding-DNA position 623, G replaced by C.
Protein change: p.Arg208Pro; replaces arginine 208 with proline.
Molecular consequence: missense variant. On other transcripts: non-coding transcript variant (2).
Genome position (GRCh38, 1-based): chr5:153,650,492, G>C. VCF-style: chr5-153650492-G-C. GRCh37 (hg19) VCF-style: chr5-153030052-G-C.
Other names: c.623G>C, p.Arg208Pro (NM_001114183.2, NM_001364165.2); c.383G>C, p.Arg128Pro (NM_001258019.2); c.338G>C, p.Arg113Pro (NM_001258020.2); c.653G>C, p.Arg218Pro (NM_001258021.2, NM_001258022.2); c.416G>C, p.Arg139Pro (NM_001258023.1, NM_001364167.2); c.650G>C, p.Arg217Pro (NM_001364166.2); short protein forms R128P, R139P, R113P, R217P, R218P, R208P.
Identifiers: ClinVar variation 718744 (VCV000718744.7), dbSNP rs148008926, ClinGen allele CA3524347.